The following is an entry in ClinVar:

ClinVar aggregate classification (germline): Conflicting classifications of pathogenicity. Review status: criteria provided, conflicting classifications (1 of 4 stars). 3 submissions from 3 submitters: Uncertain significance (2); Likely benign (1). Last evaluated 2025-12-08.

Conditions:
Catecholaminergic polymorphic ventricular tachycardia 1. Also called: RYR2-Related Catecholaminergic Polymorphic Ventricular Tachycardia; VENTRICULAR TACHYCARDIA, CATECHOLAMINERGIC POLYMORPHIC, 1, WITH OR WITHOUT ATRIAL DYSFUNCTION AND/OR DILATED CARDIOMYOPATHY; VENTRICULAR TACHYCARDIA, STRESS-INDUCED POLYMORPHIC 1. Identifiers: Orphanet 3286, MedGen C1631597, MONDO:0011484, OMIM 604772.
Catecholaminergic polymorphic ventricular tachycardia (CVPT). Also called: Catecholamine-induced polymorphic ventricular tachycardia. Identifiers: Orphanet 3286, MedGen C5574922, MONDO:0017990.

Allele frequency attached by ClinVar (database versions not stated): gnomAD exomes below 0.00001; ExAC 0.00001; gnomAD 0.00002; TOPMed 0.00002.
gnomAD v4.1: 4 of 1,613,910 alleles (0.00025%); highest among the groups gnomAD compares: African/African-American, 0.0053%; no homozygotes.

Submissions (3):

Labcorp Genetics (formerly Invitae), Labcorp
Classification: Likely benign for Catecholaminergic polymorphic ventricular tachycardia 1. Last evaluated: 2025-12-08. Review status: criteria provided, single submitter. Criteria: Invitae Variant Classification Sherloc (09022015). Collection method: clinical testing. Allele origin: germline.

Women's Health and Genetics/Laboratory Corporation of America, LabCorp
Classification: Uncertain significance. Last evaluated: 2025-11-28. Review status: criteria provided, single submitter. Criteria: LabCorp Variant Classification Summary - May 2015. Collection method: clinical testing. Allele origin: germline.

All of Us Research Program, National Institutes of Health
Classification: Uncertain significance for Catecholaminergic polymorphic ventricular tachycardia. Last evaluated: 2024-09-13. Review status: criteria provided, single submitter. Criteria: ACMG Guidelines, 2015. Collection method: clinical testing. Allele origin: germline. Inheritance: Autosomal dominant inheritance. Observed: 1 variant allele, 1 heterozygote.
Comment: This missense variant replaces leucine with methionine at codon 677 of the RYR2 protein. Computational prediction suggests that this variant may not impact protein structure and function (internally defined REVEL score threshold <= 0.5, PMID: 27666373). To our knowledge, functional studies have not been reported for this variant. This variant has not been reported in individuals affected with RYR2-related disorders in the literature. This variant has been identified in 1/249282 chromosomes in the general population by the Genome Aggregation Database (gnomAD). The available evidence is insufficient to determine the role of this variant in disease conclusively. Therefore, this variant is classified as a Variant of Uncertain Significance.

This study involves interpretation of variants in research participants for the purpose of population health screening. Participant phenotype was not available at the time of variant classification. Additional details can be found in publication PMID: 35346344, PMCID: PMC8962531

NM_001035.3(RYR2):c.2029T>A (p.Leu677Met)

Gene: RYR2 (ryanodine receptor 2; plus strand). Cytogenetic location: 1q43.
Variant type: single nucleotide variant.
Coding change: c.2029T>A on transcript NM_001035.3 (MANE Select); coding-DNA position 2029, T replaced by A.
Protein change: p.Leu677Met; replaces leucine 677 with methionine.
Molecular consequence: missense variant.
Genome position (GRCh38, 1-based): chr1:237,496,578, T>A. VCF-style: chr1-237496578-T-A. GRCh37 (hg19) VCF-style: chr1-237659878-T-A.
Other names: c.2029T>A, p.Leu677Met (LRG_402t1); short protein forms L677M.
Identifiers: ClinVar variation 570238 (VCV000570238.12), dbSNP rs750815004, ClinGen allele CA069394.